The following is an entry in ClinVar:

ClinVar aggregate classification (germline): Conflicting classifications of pathogenicity. Review status: criteria provided, conflicting classifications (1 of 4 stars). 4 submissions from 4 submitters: Uncertain significance (2); Likely benign (1). 1 of the submissions does not count toward it. Last evaluated 2026-05-29.

Conditions:
Osteogenesis imperfecta type I (OI1). Also called: Classic Non-deforming Osteogenesis Imperfecta with Blue Sclerae; OI, TYPE I; OSTEOGENESIS IMPERFECTA TARDA; OSTEOGENESIS IMPERFECTA WITH BLUE SCLERAE; Osteogenesis imperfecta type 1; Lobstein's Disease. Identifiers: Orphanet 216796, Orphanet 666, MedGen C0023931, MONDO:0008146, OMIM 166200. Disease mechanism: loss of function.
COL1A1-related disorder. Also called: COL1A1- related disease; COL1A1-related condition.
Cardiovascular phenotype. Identifiers: MedGen CN230736.

Allele frequency attached by ClinVar (database versions not stated): gnomAD exomes below 0.00001 and 0.00001; gnomAD 0.00001; TOPMed 0.00001.
gnomAD v4.1: 12 of 1,612,104 alleles (0.00074%); highest among the groups gnomAD compares: Non-Finnish European, 0.001%; no homozygotes.

Submissions (4):

Women's Health and Genetics/Laboratory Corporation of America, LabCorp
Classification: Uncertain significance. Last evaluated: 2026-05-29. Review status: criteria provided, single submitter. Criteria: LabCorp Variant Classification Summary - May 2015. Collection method: clinical testing. Allele origin: germline.
Comment: Variant summary: COL1A1 c.2024C>A (p.Ala675Glu) results in a non-conservative amino acid change in the encoded protein sequence. Algorithms developed to predict the effect of missense changes on protein structure and function all suggest that this variant is likely to be disruptive. The variant allele was found at a frequency of 4e-06 in 247480 control chromosomes. The available data on variant occurrences in the general population are insufficient to allow any conclusion about variant significance. To our knowledge, no occurrence of c.2024C>A in individuals affected with COL1A1-related conditions and no experimental evidence demonstrating its impact on protein function have been reported. ClinVar contains an entry for this variant (Variation ID: 1011655). Based on the evidence outlined above, the variant was classified as uncertain significance.

Ambry Genetics
Classification: Uncertain significance for Cardiovascular phenotype. Last evaluated: 2026-04-01. Review status: criteria provided, single submitter. Criteria: Ambry Variant Classification Scheme 2023. Collection method: clinical testing. Allele origin: germline.

Labcorp Genetics (formerly Invitae), Labcorp
Classification: Likely benign for Osteogenesis imperfecta type I. Last evaluated: 2024-10-12. Review status: criteria provided, single submitter. Criteria: Invitae Variant Classification Sherloc (09022015). Collection method: clinical testing. Allele origin: germline.

PreventionGenetics, part of Exact Sciences
Classification: Uncertain significance for COL1A1-related condition. Last evaluated: 2024-06-20. Review status: no assertion criteria provided. Collection method: clinical testing. Allele origin: germline. Not counted in ClinVar's aggregate classification.
Comment: The COL1A1 c.2024C>A variant is predicted to result in the amino acid substitution p.Ala675Glu. To our knowledge, this variant has not been reported in the literature. This variant is reported in 0.0016% of alleles in individuals of European (Non-Finnish) descent in gnomAD. At this time, the clinical significance of this variant is uncertain due to the absence of conclusive functional and genetic evidence.

NM_000088.4(COL1A1):c.2024C>A (p.Ala675Glu)

Gene: COL1A1 (collagen type I alpha 1 chain; minus strand). Cytogenetic location: 17q21.33.
Variant type: single nucleotide variant.
Coding change: c.2024C>A on transcript NM_000088.4 (MANE Select); coding-DNA position 2024, C replaced by A.
Protein change: p.Ala675Glu; replaces alanine 675 with glutamic acid.
Molecular consequence: missense variant.
Genome position (GRCh38, 1-based): chr17:50,191,984, G>T on the plus strand (C>A on the coding strand, the complement: COL1A1 is on the minus strand). VCF-style: chr17-50191984-G-T. GRCh37 (hg19) VCF-style: chr17-48269345-G-T.
Other names: c.2024C>A (NM_000088.3); short protein forms A675E.
Identifiers: ClinVar variation 1011655 (VCV001011655.12), dbSNP rs1308244294, ClinGen allele CA400212226.
Genomic context (GRCh38, chr17:50,191,984, plus strand): 5'-GAGATAGGGCCAAGTACGACGCACCTTGACGGATGCAGCGAGAGAGGCCTACTTACTCTT[G>T]CTCCAGAGGGGCCAGGGGCGCCAAGGTCTCCAGGAACACCCTGAGGGGGAGGGAGAGAGG-3'
Protein context (NP_000079.2, residues 665-685): GDLGAPGPSG[Ala675Glu]RGERGFPGER